The following is an entry in ClinVar:

ClinVar aggregate classification (germline): Benign. Review status: criteria provided, multiple submitters, no conflicts (2 of 4 stars). 7 submissions from 7 submitters: Benign (7). Last evaluated 2026-02-04.

Allele frequency attached by ClinVar (database versions not stated): TOPMed 0.02665; ExAC 0.03081; gnomAD 0.02948 and 0.03016; gnomAD exomes 0.03338 and 0.02560; 1000 Genomes Project 30x 0.01968; 1000 Genomes Project 0.02117.
gnomAD v4.1: 43,574 of 1,319,644 alleles (3.3%); highest among the groups gnomAD compares: African/African-American, 3.9%; 720 homozygotes.

Submissions (7):

Labcorp Genetics (formerly Invitae), Labcorp
Classification: Benign. Last evaluated: 2026-02-04. Review status: criteria provided, single submitter. Criteria: Invitae Variant Classification Sherloc (09022015). Collection method: clinical testing. Allele origin: germline.

Mayo Clinic Laboratories, Mayo Clinic
Classification: Benign. Last evaluated: 2020-12-03. Review status: criteria provided, single submitter. Criteria: ACMG Guidelines, 2015. Collection method: clinical testing. Allele origin: germline. Observed: 6 variant alleles.

GeneDx
Classification: Benign. Last evaluated: 2019-01-09. Review status: criteria provided, single submitter. Criteria: GeneDx Variant Classification Process June 2021. Collection method: clinical testing. Allele origin: germline. Affected: yes.

Athena Diagnostics
Classification: Benign. Last evaluated: 2018-05-29. Review status: criteria provided, single submitter. Criteria: Athena Diagnostics Criteria. Collection method: clinical testing. Allele origin: germline.

Laboratory for Molecular Medicine, Mass General Brigham Personalized Medicine
Classification: Benign. Last evaluated: 2013-02-19. Review status: criteria provided, single submitter. Criteria: LMM Criteria. Collection method: clinical testing. Allele origin: germline. Observed: 20 variant alleles.
Comment: His711Arg in exon 15 of PDZD7: This variant is not expected to have clinical sig nificance because it has been identified in 2.7% (59/2178) of chromosomes from a broad population from the 1000 Genomes project (iation/tools/1000genomes; rs34616847).

Breakthrough Genomics
Classification: Benign. Review status: criteria provided, single submitter. Criteria: ACMG Guidelines, 2015. Collection method: not provided. Allele origin: germline. Inheritance: Autosomal recessive inheritance. Affected: yes.

PreventionGenetics, part of Exact Sciences
Classification: Benign. Review status: criteria provided, single submitter. Criteria: ACMG Guidelines, 2015. Collection method: clinical testing. Allele origin: germline.

NM_001195263.2(PDZD7):c.2132A>G (p.His711Arg)

Gene: PDZD7 (PDZ domain containing 7; minus strand). Cytogenetic location: 10q24.31.
Variant type: single nucleotide variant.
Coding change: c.2132A>G on transcript NM_001195263.2 (MANE Select); coding-DNA position 2132, A replaced by G.
Protein change: p.His711Arg; replaces histidine 711 with arginine.
Molecular consequence: missense variant.
Genome position (GRCh38, 1-based): chr10:101,010,757, T>C on the plus strand (A>G on the coding strand, the complement: PDZD7 is on the minus strand). VCF-style: chr10-101010757-T-C. GRCh37 (hg19) VCF-style: chr10-102770514-T-C.
Other names: short protein forms H711R.
Identifiers: ClinVar variation 44122 (VCV000044122.19), dbSNP rs34616847, ClinGen allele CA133623.
Genomic context (GRCh38, chr10:101,010,757, plus strand): 5'-GCAATTCGGAGGGGGGTGAAGGCATCTACTGGCACGTCTTGTAGAGGGGGGATCCCTTTA[T>C]GGGGGTGGCGAGGGGCAGAGGCACTTGGGGAGACCTTGAGGGCCCCCAGCCGCTCCCTCA-3'
Protein context (NP_001182192.1, residues 701-721): SPSASAPRHP[His711Arg]KGIPPLQDVP